The following is an entry in ClinVar:

ClinVar aggregate classification (germline): Pathogenic/Likely pathogenic. Review status: criteria provided, multiple submitters, no conflicts (2 of 4 stars). 6 submissions from 6 submitters: Pathogenic (4); Likely pathogenic (1). 1 of the submissions does not count toward it. Last evaluated 2025-11-13.

Conditions:
Vanishing white matter disease. Also called: Childhood ataxia with diffuse central nervous system hypomyelination; Leukoencephalopathy with vanishing white matter; CACH/VWM syndrome; Cree leukoencehalopathy; CACH syndrome. Identifiers: Orphanet 135, Orphanet 99853, MedGen C1858991, MONDO:0800448.
EIF2B5-related disorders.

gnomAD v4.1: 8 of 1,614,140 alleles (0.0005%); highest among the groups gnomAD compares: Non-Finnish European, 0.00068%; no homozygotes.

Submissions (6):

Natera, Inc.
Classification: Pathogenic for Leukoencephalopathy with vanishing white matter. Last evaluated: 2025-11-13. Review status: criteria provided, single submitter. Criteria: Natera Variant Classification Schema (03/2026). Collection method: clinical testing. Allele origin: germline.
Comment: The c.1016G>C variant in EIF2B5 is a missense variant predicted to cause substitution of arginine to proline at amino acid 339. This variant is rare in the general population with a frequency below the threshold expected for the associated phenotype(s). This variant has been observed in one or more individuals affected with the associated recessive disease, as either homozygous or compound heterozygous with a second variant (PMID: 11704758, 15136673, 33432707, 19158808). Functional studies show that this variant may disrupt protein function (PMID: 15060152). A different variant at the same position has been determined to be Pathogenic or Likely Pathogenic. Computational prediction algorithms indicate this variant is likely to affect gene or protein function. Given the available evidence, this variant is classified as Pathogenic.

Women's Health and Genetics/Laboratory Corporation of America, LabCorp
Classification: Pathogenic for Vanishing white matter disease. Last evaluated: 2025-04-08. Review status: criteria provided, single submitter. Criteria: LabCorp Variant Classification Summary - May 2015. Collection method: clinical testing. Allele origin: germline.
Comment: Variant summary: EIF2B5 c.1016G>C (p.Arg339Pro) results in a non-conservative amino acid change in the encoded protein sequence. Five of five in-silico tools predict a damaging effect of the variant on protein function. The variant was absent in 251422 control chromosomes. c.1016G>C has been reported in the literature in compound heterozygous individuals affected with Leukoencephalopathy With Vanishing White Matter (Leegwater_2001, Leng_2011, Fogli_2004, Zhang_2015). These data indicate that the variant may be associated with disease. At least one publication reports experimental evidence evaluating an impact on protein function (Li_2004). The most pronounced variant effect results in approximately 30% of normal activity. Multiple variants located at the same codon (p.Arg339Gln, p.Arg339Trp) have been classified as Pathogenic in ClinVar, supporting a critical relevance of this residue to EIF2B5 protein function. The following publications have been ascertained in the context of this evaluation (PMID: 15136673, 11704758, 21307862, 15060152, 25761052). ClinVar contains an entry for this variant (Variation ID: 692119). Based on the evidence outlined above, the variant was classified as pathogenic.

Labcorp Genetics (formerly Invitae), Labcorp
Classification: Pathogenic. Last evaluated: 2024-02-03. Review status: criteria provided, single submitter. Criteria: Invitae Variant Classification Sherloc (09022015). Collection method: clinical testing. Allele origin: germline.
Comment: This sequence change replaces arginine, which is basic and polar, with proline, which is neutral and non-polar, at codon 339 of the EIF2B5 protein (p.Arg339Pro). This variant is not present in population databases (gnomAD no frequency). This missense change has been observed in individuals with leukoencephalopathy with vanishing white matter (PMID: 11704758, 21307862). ClinVar contains an entry for this variant (Variation ID: 692119). Advanced modeling of protein sequence and biophysical properties (such as structural, functional, and spatial information, amino acid conservation, physicochemical variation, residue mobility, and thermodynamic stability) performed at Invitae indicates that this missense variant is not expected to disrupt EIF2B5 protein function with a negative predictive value of 80%. Experimental studies have shown that this missense change affects EIF2B5 function (PMID: 15060152). This variant disrupts the p.Arg339 amino acid residue in EIF2B5. Other variant(s) that disrupt this residue have been determined to be pathogenic (PMID: 11704758, 15136673, 18263758, 20958979). This suggests that this residue is clinically significant, and that variants that disrupt this residue are likely to be disease-causing. For these reasons, this variant has been classified as Pathogenic.

Blueprint Genetics
Classification: Likely pathogenic for EIF2B5-related disorders. Last evaluated: 2021-05-30. Review status: criteria provided, single submitter. Criteria: ACMG Guidelines, 2015. Collection method: clinical testing. Allele origin: germline. Affected: yes. Observed: 1 variant allele.

GeneDx
Classification: Pathogenic. Last evaluated: 2021-04-14. Review status: criteria provided, single submitter. Criteria: GeneDx Variant Classification Process June 2021. Collection method: clinical testing. Allele origin: germline. Affected: yes.
Comment: Published functional studies demonstrate a damaging effect with reduction of activity compared to wild-type (Li et al., 2004); Not observed in large population cohorts (Lek et al., 2016); In silico analysis supports that this missense variant has a deleterious effect on protein structure/function; This variant is associated with the following publications: (PMID: 14993275, 15060152, 21307862, 11704758, 20975056)

GeneReviews
No classification provided. Condition: Vanishing white matter disease. Review status: no classification provided. Collection method: literature only. Allele origin: germline. Not counted in ClinVar's aggregate classification.
Comment: associated w/severe disease

Literature cited by the submitters: PubMed 11704758 (cited by 3 submitters); PubMed 15136673 (cited by 3 submitters); PubMed 33432707 (cited by Natera, Inc.); PubMed 19158808 (cited by Natera, Inc.); PubMed 15060152 (cited by 3 submitters); PubMed 25761052 (cited by Women's Health and Genetics/Laboratory Corporation of America, LabCorp); PubMed 21307862 (cited by Women's Health and Genetics/Laboratory Corporation of America, LabCorp and Labcorp Genetics (formerly Invitae), Labcorp); PubMed 18263758 (cited by Labcorp Genetics (formerly Invitae), Labcorp); PubMed 20958979 (cited by Labcorp Genetics (formerly Invitae), Labcorp); PubMed 20975056 (cited by GeneReviews); PubMed 20301435 (cited by GeneReviews).

NM_003907.3(EIF2B5):c.1016G>C (p.Arg339Pro)

Gene: EIF2B5 (eukaryotic translation initiation factor 2B subunit epsilon; plus strand). Cytogenetic location: 3q27.1.
Variant type: single nucleotide variant.
Coding change: c.1016G>C on transcript NM_003907.3 (MANE Select); coding-DNA position 1016, G replaced by C.
Protein change: p.Arg339Pro; replaces arginine 339 with proline.
Molecular consequence: missense variant.
Genome position (GRCh38, 1-based): chr3:184,140,590, G>C. VCF-style: chr3-184140590-G-C. GRCh37 (hg19) VCF-style: chr3-183858378-G-C.
Other names: short protein forms R339P.
Identifiers: ClinVar variation 692119 (VCV000692119.16), dbSNP rs113994069, ClinGen allele CA88842892.